The following is an entry in ClinVar:

NM_199242.3(UNC13D):c.2250C>T (p.Ala750=)

Gene: UNC13D (unc-13 homolog D; minus strand). Cytogenetic location: 17q25.1.
Variant type: single nucleotide variant.
Coding change: c.2250C>T on transcript NM_199242.3 (MANE Select); coding-DNA position 2250, C replaced by T.
Protein change: p.Ala750=; no amino-acid change (alanine 750 retained).
Molecular consequence: synonymous variant.
Genome position (GRCh38, 1-based): chr17:75,834,373, G>A on the plus strand (C>T on the coding strand, the complement: UNC13D is on the minus strand). VCF-style: chr17-75834373-G-A. GRCh37 (hg19) VCF-style: chr17-73830454-G-A.
Identifiers: ClinVar variation 794854 (VCV000794854.12), dbSNP rs146737486, ClinGen allele CA8772630.
Genomic context (GRCh38, chr17:75,834,373, plus strand): 5'-CGGACAAGGTACCTGCTCGGCCAGGGTGCGGACGCCAGTGCGGATCTCATGGCCCAGCCC[G>A]GCCAGCGCGCTCTGCAGCTGGGCATGCAGCGTGTTCTGCAGCTGCCCCTGCTCCAGCACG-3'
Protein context (NP_954712.1, residues 740-760): TLHAQLQSAL[Ala750=]GLGHEIRTGV

ClinVar aggregate classification (germline): Likely benign. Review status: criteria provided, multiple submitters, no conflicts (2 of 4 stars). 3 submissions from 3 submitters: Likely benign (2). 1 of the submissions does not count toward it. Last evaluated 2026-01-26.

Conditions:
Familial hemophagocytic lymphohistiocytosis 3 (FHL3). Also called: UNC13D-Related Familial Hemophagocytic Lymphohistiocytosis (UNC13D-fHLH). Identifiers: Orphanet 540, MedGen C1837174, MONDO:0012146, OMIM 608898.
UNC13D-related disorder. Also called: UNC13D-related condition.

Allele frequency attached by ClinVar (database versions not stated): gnomAD 0.00004 and 0.00005; gnomAD exomes 0.00007 and 0.00016; ESP Exome Variant Server 0.00008; TOPMed 0.00011; ExAC 0.00026.
gnomAD v4.1: 105 of 1,593,298 alleles (0.0066%); highest among the groups gnomAD compares: Admixed American, 0.062%; no homozygotes.

Submissions (3):

Labcorp Genetics (formerly Invitae), Labcorp
Classification: Likely benign for Familial hemophagocytic lymphohistiocytosis 3. Last evaluated: 2026-01-26. Review status: criteria provided, single submitter. Criteria: Invitae Variant Classification Sherloc (09022015). Collection method: clinical testing. Allele origin: germline.

Blueprint Genetics
Classification: Likely benign. Last evaluated: 2024-11-26. Review status: criteria provided, single submitter. Criteria: ACMG Guidelines, 2015. Collection method: clinical testing. Allele origin: germline.

PreventionGenetics, part of Exact Sciences
Classification: Likely benign for UNC13D-related condition. Last evaluated: 2019-12-06. Review status: no assertion criteria provided. Collection method: clinical testing. Allele origin: germline. Not counted in ClinVar's aggregate classification.
Comment: This variant is classified as likely benign based on ACMG/AMP sequence variant interpretation guidelines (Richards et al. 2015 PMID: 25741868, with internal and published modifications).